The following is an entry in ClinVar:

ClinVar aggregate classification (germline): Uncertain significance. Review status: criteria provided, multiple submitters, no conflicts (2 of 4 stars). 3 submissions from 3 submitters: Uncertain significance (3). Last evaluated 2025-09-04.

Conditions:
Hereditary cancer-predisposing syndrome. Also called: Neoplastic Syndromes, Hereditary; Tumor predisposition; Hereditary Cancer Syndrome; Hereditary neoplastic syndrome. Identifiers: Orphanet 140162, MedGen C0027672, MeSH D009386, MONDO:0015356.
Familial cancer of breast. Also called: BREAST CANCER, FAMILIAL; Hereditary breast cancer; hereditary breast carcinoma. Identifiers: Orphanet 227535, MedGen C0346153, MONDO:0016419, OMIM 114480. Disease mechanism: loss of function.

Submissions (3):

Labcorp Genetics (formerly Invitae), Labcorp
Classification: Uncertain significance for Familial cancer of breast. Last evaluated: 2025-09-04. Review status: criteria provided, single submitter. Criteria: Invitae Variant Classification Sherloc (09022015). Collection method: clinical testing. Allele origin: germline.
Comment: This sequence change replaces valine, which is neutral and non-polar, with phenylalanine, which is neutral and non-polar, at codon 720 of the BARD1 protein (p.Val720Phe). This variant is not present in population databases (gnomAD no frequency). This variant has not been reported in the literature in individuals affected with BARD1-related conditions. ClinVar contains an entry for this variant (Variation ID: 186747). An algorithm developed to predict the effect of missense changes on protein structure and function (PolyPhen-2) suggests that this variant is likely to be disruptive. In summary, the available evidence is currently insufficient to determine the role of this variant in disease. Therefore, it has been classified as a Variant of Uncertain Significance.

Ambry Genetics
Classification: Uncertain significance for Hereditary cancer-predisposing syndrome. Last evaluated: 2024-04-19. Review status: criteria provided, single submitter. Criteria: Ambry Variant Classification Scheme 2023. Collection method: clinical testing. Allele origin: germline.
Comment: The p.V720F variant (also known as c.2158G>T), located in coding exon 11 of the BARD1 gene, results from a G to T substitution at nucleotide position 2158. The valine at codon 720 is replaced by phenylalanine, an amino acid with highly similar properties. This variant was not reported in population based cohorts in the following databases: Database of Single Nucleotide Polymorphisms (dbSNP), NHLBI Exome Sequencing Project (ESP), and 1000 Genomes Project. In the ESP, this variant was not observed in 6503 samples (13006 alleles) with coverage at this position. To date, this alteration has been detected with an allele frequency of approximately 0.005% (greater than 22000 alleles tested) in our clinical cohort. This amino acid position is highly conserved in available vertebrate species. In addition, the in silico prediction for this alteration is inconclusive. Since supporting evidence is limited at this time, the clinical significance of p.V720F remains unclear.

GeneDx
Classification: Uncertain significance. Last evaluated: 2022-07-11. Review status: criteria provided, single submitter. Criteria: GeneDx Variant Classification Process June 2021. Collection method: clinical testing. Allele origin: germline. Affected: yes.
Comment: Not observed at significant frequency in large population cohorts (gnomAD); In silico analysis supports that this missense variant has a deleterious effect on protein structure/function; Has not been previously published as pathogenic or benign to our knowledge; This variant is associated with the following publications: (PMID: 17550235)

NM_000465.4(BARD1):c.2158G>T (p.Val720Phe)

Gene: BARD1 (BRCA1 associated RING domain 1; minus strand). Cytogenetic location: 2q35.
Variant type: single nucleotide variant.
Coding change: c.2158G>T on transcript NM_000465.4 (MANE Select); coding-DNA position 2158, G replaced by T.
Protein change: p.Val720Phe; replaces valine 720 with phenylalanine.
Molecular consequence: missense variant. On other transcripts: non-coding transcript variant (3).
Genome position (GRCh38, 1-based): chr2:214,728,852, C>A on the plus strand (G>T on the coding strand, the complement: BARD1 is on the minus strand). VCF-style: chr2-214728852-C-A. GRCh37 (hg19) VCF-style: chr2-215593576-C-A.
Other names: c.2101G>T, p.Val701Phe (NM_001282543.2); c.805G>T, p.Val269Phe (NM_001282545.2); c.748G>T, p.Val250Phe (NM_001282548.2); c.619G>T, p.Val207Phe (NM_001282549.2); short protein forms V720F, V701F, V250F, V207F, V269F.
Identifiers: ClinVar variation 186747 (VCV000186747.16), dbSNP rs786203188, ClinGen allele CA195750.